The following is an entry in ClinVar:

ClinVar aggregate classification (germline): Uncertain significance (1 of 4 stars; one submission).

Conditions:
Microcephaly 18, primary, autosomal dominant (MCPH18). Identifiers: MedGen C4479608, MONDO:0054593, OMIM 617520.

Submission:

MVZ Medizinische Genetik Mainz
Classification: Uncertain significance for Microcephaly 18, primary, autosomal dominant. Last evaluated: 2023-04-25. Review status: criteria provided, single submitter. Criteria: UK Practice Guidelines For Variant Classification V4 01 2020. Collection method: clinical testing. Allele origin: germline. Inheritance: Autosomal dominant inheritance. Affected: yes. Observed: 1 variant allele.
Comment: ACMG Criteria: PVS1_STR,PM2_SUP

NM_014991.6(WDFY3):c.9662del (p.Ser3221fs)

Gene: WDFY3 (WD repeat and FYVE domain containing 3; minus strand). Cytogenetic location: 4q21.23.
Variant type: Deletion.
Coding change: c.9662del on transcript NM_014991.6 (MANE Select); coding-DNA position 9662, one base deleted (C; older notation c.9662delC).
Protein change: p.Ser3221fs; shifts the reading frame from serine 3221.
Molecular consequence: frameshift variant.
Genome position (GRCh38, 1-based): chr4:84,684,007, G deleted on the plus strand (C on the coding strand, the reverse complement: WDFY3 is on the minus strand). VCF-style (leftmost placement, unchanged base first): chr4-84684006-CG-C. GRCh37 (hg19) VCF-style: chr4-85605159-CG-C.
Other names: short protein forms S3221fs.
Identifiers: ClinVar variation 3236216 (VCV003236216.1), dbSNP rs2530560077, ClinGen allele CA2825001297.